The following is an entry in ClinVar:

NM_058216.3(RAD51C):c.807G>A (p.Met269Ile)

Gene: RAD51C (RAD51 paralog C; plus strand). Cytogenetic location: 17q22.
Variant type: single nucleotide variant.
Coding change: c.807G>A on transcript NM_058216.3 (MANE Select); coding-DNA position 807, G replaced by A.
Protein change: p.Met269Ile; replaces methionine 269 with isoleucine.
Molecular consequence: missense variant. On other transcripts: non-coding transcript variant (1).
Genome position (GRCh38, 1-based): chr17:58,709,960, G>A. VCF-style: chr17-58709960-G-A. GRCh37 (hg19) VCF-style: chr17-56787321-G-A.
Other names: short protein forms M269I.
Identifiers: ClinVar variation 4843905 (VCV004843905.1).
Genomic context (GRCh38, chr17:58,709,960, plus strand): 5'-TCATGACCTAGATGACCTGTCTCTTCGTACTCGGTTATTAAATGGCCTAGCCCAGCAAAT[G>A]ATCAGCCTTGCAAATAATCACAGATTAGCTGTAAGTATTAACTAGTGAAGAGAGTTTTAT-3'
Protein context (NP_478123.1, residues 259-279): TRLLNGLAQQ[Met269Ile]ISLANNHRLA

ClinVar aggregate classification (germline): Uncertain significance (1 of 4 stars; one submission).

Conditions:
Hereditary cancer-predisposing syndrome. Also called: Neoplastic Syndromes, Hereditary; Tumor predisposition; Hereditary Cancer Syndrome; Hereditary neoplastic syndrome. Identifiers: Orphanet 140162, MedGen C0027672, MeSH D009386, MONDO:0015356.

Submission:

Ambry Genetics
Classification: Uncertain significance for Hereditary cancer-predisposing syndrome. Last evaluated: 2026-01-13. Review status: criteria provided, single submitter. Criteria: Ambry Variant Classification Scheme 2023. Collection method: clinical testing. Allele origin: germline.
Comment: The p.M269I variant (also known as c.807G>A), located in coding exon 5 of the RAD51C gene, results from a G to A substitution at nucleotide position 807. The methionine at codon 269 is replaced by isoleucine, an amino acid with highly similar properties. This amino acid position is conserved. In addition, this alteration is predicted to be tolerated by in silico analysis. Based on the available evidence, the clinical significance of this variant remains unclear.